The following is an entry in ClinVar:

ClinVar aggregate classification (germline): Conflicting classifications of pathogenicity. Review status: criteria provided, conflicting classifications (1 of 4 stars). 2 submissions from 2 submitters: Uncertain significance (1); Benign (1). Last evaluated 2025-11-25.

Conditions:
Hereditary cancer-predisposing syndrome. Also called: Neoplastic Syndromes, Hereditary; Tumor predisposition; Hereditary Cancer Syndrome; Hereditary neoplastic syndrome. Identifiers: Orphanet 140162, MedGen C0027672, MeSH D009386, MONDO:0015356.
Neuroblastoma, susceptibility to, 3. Also called: ALK-Related Neuroblastic Tumor Susceptibility. Identifiers: Orphanet 635, MedGen C2751681, MONDO:0013083, OMIM 613014.

gnomAD v4.1: 48 of 1,611,344 alleles (0.003%); highest among the groups gnomAD compares: South Asian, 0.052%; 1 homozygote.

Submissions (2):

Labcorp Genetics (formerly Invitae), Labcorp
Classification: Uncertain significance for Neuroblastoma, susceptibility to, 3. Last evaluated: 2025-11-25. Review status: criteria provided, single submitter. Criteria: Invitae Variant Classification Sherloc (09022015). Collection method: clinical testing. Allele origin: germline.
Comment: This sequence change affects codon 1388 of the ALK mRNA. It is a 'silent' change, meaning that it does not change the encoded amino acid sequence of the ALK protein. This variant also falls at the last nucleotide of exon 28, which is part of the consensus splice site for this exon. This variant is present in population databases (rs200902932, gnomAD 0.05%), and has an allele count higher than expected for a pathogenic variant. This variant has not been reported in the literature in individuals affected with ALK-related conditions. ClinVar contains an entry for this variant (Variation ID: 567316). Variants that disrupt the consensus splice site are a relatively common cause of aberrant splicing (PMID: 17576681, 9536098). Algorithms developed to predict the effect of sequence changes on RNA splicing suggest that this variant may disrupt the consensus splice site. In summary, the available evidence is currently insufficient to determine the role of this variant in disease. Therefore, it has been classified as a Variant of Uncertain Significance.

Ambry Genetics
Classification: Benign for Hereditary cancer-predisposing syndrome. Last evaluated: 2024-08-20. Review status: criteria provided, single submitter. Criteria: Ambry Variant Classification Scheme 2023. Collection method: clinical testing. Allele origin: germline.

Literature cited by the submitters: PubMed 17576681 (cited by Labcorp Genetics (formerly Invitae), Labcorp); PubMed 9536098 (cited by Labcorp Genetics (formerly Invitae), Labcorp).

NM_004304.5(ALK):c.4164G>A (p.Gln1388=)

Gene: ALK (ALK receptor tyrosine kinase; minus strand). Cytogenetic location: 2p23.2.
Variant type: single nucleotide variant.
Coding change: c.4164G>A on transcript NM_004304.5 (MANE Select); coding-DNA position 4164, G replaced by A.
Protein change: p.Gln1388=; no amino-acid change (glutamine 1388 retained).
Molecular consequence: synonymous variant.
Genome position (GRCh38, 1-based): chr2:29,196,770, C>T on the plus strand (G>A on the coding strand, the complement: ALK is on the minus strand). VCF-style: chr2-29196770-C-T. GRCh37 (hg19) VCF-style: chr2-29419636-C-T.
Other names: c.960G>A, p.Gln320= (NM_001353765.2).
Identifiers: ClinVar variation 567316 (VCV000567316.9), dbSNP rs200902932, ClinGen allele CA1593652.